The following is an entry in ClinVar:

NM_003680.4(YARS1):c.271G>C (p.Glu91Gln)

Gene: YARS1 (tyrosyl-tRNA synthetase 1; minus strand). Cytogenetic location: 1p35.1.
Variant type: single nucleotide variant.
Coding change: c.271G>C on transcript NM_003680.4 (MANE Select); coding-DNA position 271, G replaced by C.
Protein change: p.Glu91Gln; replaces glutamic acid 91 with glutamine.
Molecular consequence: missense variant.
Genome position (GRCh38, 1-based): chr1:32,810,700, C>G on the plus strand (G>C on the coding strand, the complement: YARS1 is on the minus strand). VCF-style: chr1-32810700-C-G. GRCh37 (hg19) VCF-style: chr1-33276301-C-G.
Other names: short protein forms E91Q.
Identifiers: ClinVar variation 2184135 (VCV002184135.4), dbSNP rs1324145064, ClinGen allele CA339687237.

ClinVar aggregate classification (germline): Uncertain significance (1 of 4 stars; one submission).

Conditions:
Charcot-Marie-Tooth disease dominant intermediate C (CMTDIC). Also called: CHARCOT-MARIE-TOOTH NEUROPATHY, DOMINANT INTERMEDIATE C. Identifiers: Orphanet 100045, MedGen C1842237, MONDO:0012012, OMIM 608323.

Allele frequency attached by ClinVar (database versions not stated): TOPMed below 0.00001.
gnomAD v4.1: 3 of 1,614,150 alleles (0.00019%); highest among the groups gnomAD compares: Admixed American, 0.0017%; no homozygotes.

Submission:

Labcorp Genetics (formerly Invitae), Labcorp
Classification: Uncertain significance for Charcot-Marie-Tooth disease dominant intermediate C. Last evaluated: 2024-03-14. Review status: criteria provided, single submitter. Criteria: Invitae Variant Classification Sherloc (09022015). Collection method: clinical testing. Allele origin: germline.
Comment: This sequence change replaces glutamic acid, which is acidic and polar, with glutamine, which is neutral and polar, at codon 91 of the YARS protein (p.Glu91Gln). This variant is present in population databases (no rsID available, gnomAD 0.003%). This variant has not been reported in the literature in individuals affected with YARS-related conditions. ClinVar contains an entry for this variant (Variation ID: 2184135). Advanced modeling of protein sequence and biophysical properties (such as structural, functional, and spatial information, amino acid conservation, physicochemical variation, residue mobility, and thermodynamic stability) performed at Invitae indicates that this missense variant is not expected to disrupt YARS protein function with a negative predictive value of 80%. In summary, the available evidence is currently insufficient to determine the role of this variant in disease. Therefore, it has been classified as a Variant of Uncertain Significance.